The following is an entry in ClinVar:

ClinVar aggregate classification (germline): Likely benign (1 of 4 stars; one submission).

Conditions:
ITGA6-related disorder. Also called: ITGA6-related condition.

gnomAD v4.1: 131 of 1,590,494 alleles (0.0082%); highest among the groups gnomAD compares: East Asian, 0.3%; no homozygotes.

Submission:

PreventionGenetics, part of Exact Sciences
Classification: Likely benign for ITGA6-related condition. Last evaluated: 2025-11-02. Review status: criteria provided, single submitter. Criteria: ACMG Guidelines, 2015. Collection method: clinical testing. Allele origin: germline.
Comment: This variant is classified as likely benign based on ACMG/AMP sequence variant interpretation guidelines (Richards et al. 2015 PMID: 25741868, with internal and published modifications).

NM_000210.4(ITGA6):c.-2C>T

Gene: ITGA6 (integrin subunit alpha 6; plus strand). Cytogenetic location: 2q31.1.
Variant type: single nucleotide variant.
Coding change: c.-2C>T on transcript NM_000210.4 (MANE Select); 2 bases upstream of the start codon, C replaced by T.
Molecular consequence: 5 prime UTR variant. On other transcripts: intron variant (1).
Genome position (GRCh38, 1-based): chr2:172,427,787, C>T. VCF-style: chr2-172427787-C-T. GRCh37 (hg19) VCF-style: chr2-173292515-C-T.
Other names: c.-2C>T (NM_001079818.3, NM_001365529.2, NM_001365530.2 and 1 more transcripts); c.-161+317C>T (NM_001316306.2).
Identifiers: ClinVar variation 4980393 (VCV004980393.1).